The following is an entry in ClinVar:

ClinVar aggregate classification (germline): Uncertain significance (1 of 4 stars; one submission).

Conditions:
Pyogenic arthritis-pyoderma gangrenosum-acne syndrome (PAPA). Also called: PAPA SYNDROME; FAMILIAL RECURRENT ARTHRITIS. Identifiers: Orphanet 69126, MedGen C1858361, MONDO:0011462, OMIM 604416.

Submission:

Labcorp Genetics (formerly Invitae), Labcorp
Classification: Uncertain significance for Pyogenic arthritis-pyoderma gangrenosum-acne syndrome. Last evaluated: 2025-08-16. Review status: criteria provided, single submitter. Criteria: Invitae Variant Classification Sherloc (09022015). Collection method: clinical testing. Allele origin: germline.
Comment: This sequence change replaces isoleucine, which is neutral and non-polar, with methionine, which is neutral and non-polar, at codon 301 of the PSTPIP1 protein (p.Ile301Met). This variant is not present in population databases (gnomAD no frequency). This variant has not been reported in the literature in individuals affected with PSTPIP1-related conditions. Invitae Evidence Modeling of protein sequence and biophysical properties (such as structural, functional, and spatial information, amino acid conservation, physicochemical variation, residue mobility, and thermodynamic stability) indicates that this missense variant is not expected to disrupt PSTPIP1 protein function with a negative predictive value of 80%. In summary, the available evidence is currently insufficient to determine the role of this variant in disease. Therefore, it has been classified as a Variant of Uncertain Significance.

NM_003978.5(PSTPIP1):c.903A>G (p.Ile301Met)

Gene: PSTPIP1 (proline-serine-threonine phosphatase interacting protein 1; plus strand). Cytogenetic location: 15q24.3.
Variant type: single nucleotide variant.
Coding change: c.903A>G on transcript NM_003978.5 (MANE Select); coding-DNA position 903, A replaced by G.
Protein change: p.Ile301Met; replaces isoleucine 301 with methionine.
Molecular consequence: missense variant. On other transcripts: intron variant (1).
Genome position (GRCh38, 1-based): chr15:77,032,926, A>G. VCF-style: chr15-77032926-A-G. GRCh37 (hg19) VCF-style: chr15-77325267-A-G.
Other names: c.876A>G, p.Ile292Met (NM_001321136.2); c.1098A>G, p.Ile366Met (NM_001321137.1); c.903A>G, p.Ile301Met (NM_001411086.1); c.872+498A>G (NM_001321135.2); short protein forms I301M, I292M, I366M.
Identifiers: ClinVar variation 4736777 (VCV004736777.1).